The following is an entry in ClinVar:

ClinVar aggregate classification (germline): Likely benign. Review status: criteria provided, single submitter (1 of 4 stars). 2 submissions from 2 submitters: Likely benign (1). 1 of the submissions does not count toward it. Last evaluated 2023-01-01.

Conditions:
GMPPB-related disorder. Also called: GMPPB-related condition; GMPPB-related disorders.

Allele frequency attached by ClinVar (database versions not stated): gnomAD exomes 0.00001.

Submissions (2):

CeGaT Center for Human Genetics Tuebingen
Classification: Likely benign. Last evaluated: 2023-01-01. Review status: criteria provided, single submitter. Criteria: CeGaT Center For Human Genetics Tuebingen Variant Classification Criteria Version 2. Collection method: clinical testing. Allele origin: germline. Affected: yes. Observed: 1 variant allele.
Comment: GMPPB: BP4, BP7

PreventionGenetics, part of Exact Sciences
Classification: Likely benign for GMPPB-related condition. Last evaluated: 2019-06-06. Review status: no assertion criteria provided. Collection method: clinical testing. Allele origin: germline. Not counted in ClinVar's aggregate classification.
Comment: This variant is classified as likely benign based on ACMG/AMP sequence variant interpretation guidelines (Richards et al. 2015 PMID: 25741868, with internal and published modifications).

NM_021971.4(GMPPB):c.952-25T>C

Gene: GMPPB (GDP-mannose pyrophosphorylase B; minus strand). Cytogenetic location: 3p21.31.
Variant type: single nucleotide variant.
Coding change: c.952-25T>C on transcript NM_021971.4 (MANE Select); 25 bases into the intron before coding-DNA position 952, T replaced by C.
Molecular consequence: intron variant. On other transcripts: synonymous variant (1).
Genome position (GRCh38, 1-based): chr3:49,721,908, A>G on the plus strand (T>C on the coding strand, the complement: GMPPB is on the minus strand). VCF-style: chr3-49721908-A-G. GRCh37 (hg19) VCF-style: chr3-49759341-A-G.
Other names: c.1008T>C, p.Pro336= (NM_013334.4); c.1008T>C (NM_013334.3).
Identifiers: ClinVar variation 2653846 (VCV002653846.24), dbSNP rs533341318, ClinGen allele CA74541307.